The following is an entry in ClinVar:

NM_001378454.1(ALMS1):c.893A>G (p.His298Arg)

Gene: ALMS1 (ALMS1 centrosome and basal body associated protein; plus strand). Cytogenetic location: 2p13.1.
Variant type: single nucleotide variant.
Coding change: c.893A>G on transcript NM_001378454.1 (MANE Select); coding-DNA position 893, A replaced by G.
Protein change: p.His298Arg; replaces histidine 298 with arginine.
Molecular consequence: missense variant.
Genome position (GRCh38, 1-based): chr2:73,424,558, A>G. VCF-style: chr2-73424558-A-G. GRCh37 (hg19) VCF-style: chr2-73651686-A-G.
Other names: c.896A>G, p.His299Arg (NM_015120.4); short protein forms H299R, H298R.
Identifiers: ClinVar variation 1997295 (VCV001997295.4), dbSNP rs2466046174, ClinGen allele CA347260791.

ClinVar aggregate classification (germline): Uncertain significance (1 of 4 stars; one submission).

Conditions:
Alstrom syndrome (ALMS). Identifiers: Orphanet 64, MedGen C0268425, MONDO:0008763, OMIM 203800.

Submission:

Labcorp Genetics (formerly Invitae), Labcorp
Classification: Uncertain significance for Alstrom syndrome. Last evaluated: 2022-05-21. Review status: criteria provided, single submitter. Criteria: Invitae Variant Classification Sherloc (09022015). Collection method: clinical testing. Allele origin: germline.
Comment: In summary, the available evidence is currently insufficient to determine the role of this variant in disease. Therefore, it has been classified as a Variant of Uncertain Significance. Experimental studies and prediction algorithms are not available or were not evaluated, and the functional significance of this variant is currently unknown. This variant has not been reported in the literature in individuals affected with ALMS1-related conditions. This variant is not present in population databases (gnomAD no frequency). This sequence change replaces histidine, which is basic and polar, with arginine, which is basic and polar, at codon 299 of the ALMS1 protein (p.His299Arg).